The following is an entry in ClinVar:

NM_001330691.3(CEP78):c.1554A>T (p.Glu518Asp)

Gene: CEP78 (centrosomal protein 78; plus strand). Cytogenetic location: 9q21.2.
Variant type: single nucleotide variant.
Coding change: c.1554A>T on transcript NM_001330691.3 (MANE Select); coding-DNA position 1554, A replaced by T.
Protein change: p.Glu518Asp; replaces glutamic acid 518 with aspartic acid.
Molecular consequence: missense variant.
Genome position (GRCh38, 1-based): chr9:78,264,245, A>T. VCF-style: chr9-78264245-A-T. GRCh37 (hg19) VCF-style: chr9-80879161-A-T.
Other names: c.1557A>T, p.Glu519Asp (NM_001098802.3, NM_001349839.2, NM_001349840.2 and 1 more transcripts); c.1554A>T, p.Glu518Asp (NM_001330693.3, NM_001330694.2, NM_001349838.2); short protein forms E518D, E519D.
Identifiers: ClinVar variation 1978275 (VCV001978275.4), dbSNP rs1827408397, ClinGen allele CA373864417.
Genomic context (GRCh38, chr9:78,264,245, plus strand): 5'-TTTCTCTTTGTCTGAAGCCCTTCATGCACAGTCATTGACAAATATGATCCTGGATGATGA[A>T]GGTGTTTTGGGCAGCATTGAGAATTCTTTTCAGAAGTTTCATGCTTTCTTGGATCTCCTT-3'
Protein context (NP_001317620.1, residues 508-528): QSLTNMILDD[Glu518Asp]GVLGSIENSF

ClinVar aggregate classification (germline): Uncertain significance (1 of 4 stars; one submission).

Allele frequency attached by ClinVar (database versions not stated): gnomAD 0.00001.
gnomAD v4.1: 2 of 1,611,508 alleles (0.00012%); highest among the groups gnomAD compares: African/African-American, 0.0027%; no homozygotes.

Submission:

Labcorp Genetics (formerly Invitae), Labcorp
Classification: Uncertain significance. Last evaluated: 2024-11-05. Review status: criteria provided, single submitter. Criteria: Invitae Variant Classification Sherloc (09022015). Collection method: clinical testing. Allele origin: germline.
Comment: This sequence change replaces glutamic acid, which is acidic and polar, with aspartic acid, which is acidic and polar, at codon 519 of the CEP78 protein (p.Glu519Asp). This variant is not present in population databases (gnomAD no frequency). This variant has not been reported in the literature in individuals affected with CEP78-related conditions. ClinVar contains an entry for this variant (Variation ID: 1978275). Invitae Evidence Modeling of protein sequence and biophysical properties (such as structural, functional, and spatial information, amino acid conservation, physicochemical variation, residue mobility, and thermodynamic stability) indicates that this missense variant is not expected to disrupt CEP78 protein function with a negative predictive value of 80%. In summary, the available evidence is currently insufficient to determine the role of this variant in disease. Therefore, it has been classified as a Variant of Uncertain Significance.